The following is an entry in ClinVar:

NM_000534.5(PMS1):c.1744G>A (p.Val582Ile)

Gene: PMS1 (PMS1 homolog 1, mismatch repair system component; plus strand). Cytogenetic location: 2q32.2.
Variant type: single nucleotide variant.
Coding change: c.1744G>A on transcript NM_000534.5 (MANE Select); coding-DNA position 1744, G replaced by A.
Protein change: p.Val582Ile; replaces valine 582 with isoleucine.
Molecular consequence: missense variant. On other transcripts: non-coding transcript variant (1).
Genome position (GRCh38, 1-based): chr2:189,855,016, G>A. VCF-style: chr2-189855016-G-A. GRCh37 (hg19) VCF-style: chr2-190719742-G-A.
Other names: c.1627G>A, p.Val543Ile (NM_001128143.2, NM_001321044.2); c.1744G>A, p.Val582Ile (NM_001128144.2, NM_001321045.2, NM_001321047.2 and 1 more transcripts); c.1216G>A, p.Val406Ile (NM_001289408.2, NM_001289409.2); c.1561G>A, p.Val521Ile (NM_001321046.2); short protein forms V582I, V406I, V521I, V543I.
Identifiers: ClinVar variation 135056 (VCV000135056.5), dbSNP rs74512161, ClinGen allele CA161540.
Genomic context (GRCh38, chr2:189,855,016, plus strand): 5'-GCTTATGATTTACTTAGCAATCGAGTAATCAAGAAACCCATGTCAGCAAGTGCTCTTTTT[G>A]TTCAAGATCATCGTCCTCAGTTTCTCATAGAAAATCCTAAGACTAGTTTAGAGGATGCAA-3'
Protein context (NP_000525.1, residues 572-592): KKPMSASALF[Val582Ile]QDHRPQFLIE

ClinVar aggregate classification (germline): Uncertain significance. Review status: criteria provided, single submitter (1 of 4 stars). 2 submissions from 2 submitters: Uncertain significance (1). 1 of the submissions does not count toward it. Last evaluated 2014-08-11.

Allele frequency attached by ClinVar (database versions not stated): gnomAD exomes 0.00003 and 0.00007; ExAC 0.00007; ESP Exome Variant Server 0.00015; 1000 Genomes Project 0.00020; gnomAD 0.00029 and 0.00033; 1000 Genomes Project 30x 0.00031; TOPMed 0.00031.
gnomAD v4.1: 92 of 1,613,364 alleles (0.0057%); highest among the groups gnomAD compares: African/African-American, 0.11%; no homozygotes.

Submissions (2):

Eurofins Ntd Llc (ga)
Classification: Uncertain significance. Last evaluated: 2014-08-11. Review status: criteria provided, single submitter. Criteria: EGL Classification Definitions 2015. Collection method: clinical testing. Allele origin: germline.

ITMI
No classification provided. Condition: AllHighlyPenetrant. Last evaluated: 2013-09-19. Review status: no classification provided. Collection method: reference population. Allele origin: germline. Not counted in ClinVar's aggregate classification.
Comment: Please see associated publication for description of ethnicities

Literature cited by the submitters: PubMed 24728327 (cited by ITMI).